The following is an entry in ClinVar:

ClinVar aggregate classification (germline): Conflicting classifications of pathogenicity. Review status: criteria provided, conflicting classifications (1 of 4 stars). 2 submissions from 2 submitters: Uncertain significance (1); Likely benign (1). Last evaluated 2026-07-20.

Conditions:
Inborn genetic diseases. Identifiers: MedGen C0950123, MeSH D030342.

Allele frequency attached by ClinVar (database versions not stated): TOPMed 0.00001; gnomAD exomes 0.00001.
gnomAD v4.1: 8 of 1,613,914 alleles (0.0005%); highest among the groups gnomAD compares: South Asian, 0.0022%; no homozygotes.

Submissions (2):

Ambry Genetics
Classification: Uncertain significance for Inborn genetic diseases. Last evaluated: 2026-07-20. Review status: criteria provided, single submitter. Criteria: Ambry Variant Classification Scheme 2023. Collection method: clinical testing. Allele origin: germline.
Comment: The c.5932G>A (p.E1978K) alteration is located in exon 28 (coding exon 28) of the KMT2B gene. This alteration results from a G to A substitution at nucleotide position 5932, causing the glutamic acid (E) at amino acid position 1978 to be replaced by a lysine (K). Based on data from gnomAD, the A allele has an overall frequency of <0.001% (1/248794) total alleles studied. The highest observed frequency was 0.001% (1/112618) of European (non-Finnish) alleles. Based on insufficient or conflicting evidence, the clinical significance of this alteration remains unclear.

Labcorp Genetics (formerly Invitae), Labcorp
Classification: Likely benign. Last evaluated: 2025-10-22. Review status: criteria provided, single submitter. Criteria: Invitae Variant Classification Sherloc (09022015). Collection method: clinical testing. Allele origin: germline.

NM_014727.3(KMT2B):c.5932G>A (p.Glu1978Lys)

Gene: KMT2B (lysine methyltransferase 2B; plus strand). Cytogenetic location: 19q13.12.
Variant type: single nucleotide variant.
Coding change: c.5932G>A on transcript NM_014727.3 (MANE Select); coding-DNA position 5932, G replaced by A.
Protein change: p.Glu1978Lys; replaces glutamic acid 1978 with lysine.
Molecular consequence: missense variant.
Genome position (GRCh38, 1-based): chr19:35,732,481, G>A. VCF-style: chr19-35732481-G-A. GRCh37 (hg19) VCF-style: chr19-36223382-G-A.
Other names: c.5932G>A (NM_014727.1); short protein forms E1978K.
Identifiers: ClinVar variation 3001255 (VCV003001255.4), dbSNP rs930333173, ClinGen allele CA307795955.